The following is an entry in ClinVar:

ClinVar aggregate classification (germline): Likely pathogenic (1 of 4 stars; one submission).

Conditions:
Hereditary spherocytosis type 1. Also called: Spherocytosis type 1; ANK1-Related Spherocytosis. Identifiers: Orphanet 822, MedGen C2674218, MONDO:0008447, OMIM 182900.

Submission:

ARUP Laboratories, Molecular Genetics and Genomics, ARUP Laboratories
Classification: Likely pathogenic for Hereditary spherocytosis type 1. Last evaluated: 2025-01-31. Review status: criteria provided, single submitter. Criteria: ARUP Molecular Germline Variant Investigation Process 2024. Collection method: clinical testing. Allele origin: germline.
Comment: The ANK1 c.3547del; p.Ala1183ProfsTer6 variant, to our knowledge, is not reported in the medical literature or gene specific databases. This variant is also absent from the Genome Aggregation Database (v2.1.1), indicating it is not a common polymorphism. This variant causes a frameshift by deleting a single nucleotide, so it is predicted to result in a truncated protein or mRNA subject to nonsense-mediated decay. Based on available information, this variant is considered to be likely pathogenic.

NM_000037.4(ANK1):c.3547del (p.Ala1183fs)

Gene: ANK1 (ankyrin 1; minus strand). Cytogenetic location: 8p11.21.
Variant type: Deletion.
Coding change: c.3547del on transcript NM_000037.4 (MANE Select); coding-DNA position 3547, one base deleted (G; older notation c.3547delG).
Protein change: p.Ala1183fs; shifts the reading frame from alanine 1183.
Molecular consequence: frameshift variant.
Genome position (GRCh38, 1-based): chr8:41,693,187, C deleted on the plus strand (G on the coding strand, the reverse complement: ANK1 is on the minus strand). VCF-style (leftmost placement, unchanged base first): chr8-41693186-GC-G. GRCh37 (hg19) VCF-style: chr8-41550704-GC-G.
Other names: c.3670del, p.Ala1224fs (NM_001142446.2); c.3547del, p.Ala1183fs (NM_020475.3, NM_020476.3, NM_020477.3); short protein forms A1183fs, A1224fs.
Identifiers: ClinVar variation 4685604 (VCV004685604.1).
Genomic context (GRCh38, chr8:41,693,186, plus strand): 5'-AAGTTGGCGCACTCGTTGGCATATACAAGTTTGGTGGTTCCTGTTATGTCTTCCCACTGG[GC>G]TTGGTCTGTTCCTCCTGTAACAGCGGCAGAAATGGGGCTGGGGACAGTCTTCAGGATGTA-3'